The following is an entry in ClinVar:

ClinVar aggregate classification (germline): Uncertain significance (1 of 4 stars; one submission).

Allele frequency attached by ClinVar (database versions not stated): gnomAD exomes below 0.00001.
gnomAD v4.1: 1 of 1,611,912 alleles (0.000062%); highest among the groups gnomAD compares: African/African-American, 0.0013%; no homozygotes.

Submission:

Labcorp Genetics (formerly Invitae), Labcorp
Classification: Uncertain significance. Last evaluated: 2022-02-04. Review status: criteria provided, single submitter. Criteria: Invitae Variant Classification Sherloc (09022015). Collection method: clinical testing. Allele origin: germline.
Comment: In summary, the available evidence is currently insufficient to determine the role of this variant in disease. Therefore, it has been classified as a Variant of Uncertain Significance. Variants that disrupt the consensus splice site are a relatively common cause of aberrant splicing (PMID: 17576681, 9536098). Algorithms developed to predict the effect of sequence changes on RNA splicing suggest that this variant may disrupt the consensus splice site. This variant has not been reported in the literature in individuals affected with LARP7-related conditions. This variant is not present in population databases (gnomAD no frequency). This sequence change affects codon 472 of the LARP7 mRNA. It is a 'silent' change, meaning that it does not change the encoded amino acid sequence of the LARP7 protein. This variant also falls at the last nucleotide of exon 10, which is part of the consensus splice site for this exon.

Literature cited by the submitters: PubMed 17576681; PubMed 9536098.

NM_016648.4(LARP7):c.1416G>A (p.Arg472=)

Gene: LARP7 (La ribonucleoprotein 7, transcriptional regulator; plus strand). Cytogenetic location: 4q25.
Variant type: single nucleotide variant.
Coding change: c.1416G>A on transcript NM_016648.4 (MANE Select); coding-DNA position 1416, G replaced by A.
Protein change: p.Arg472=; no amino-acid change (arginine 472 retained).
Molecular consequence: synonymous variant.
Genome position (GRCh38, 1-based): chr4:112,650,582, G>A. VCF-style: chr4-112650582-G-A. GRCh37 (hg19) VCF-style: chr4-113571738-G-A.
Other names: c.1416G>A, p.Arg472= (NM_001267039.4, NM_001370978.1, NM_015454.3); c.1455G>A, p.Arg485= (NM_001370974.1, NM_001370975.1); c.1452G>A, p.Arg484= (NM_001370976.1, NM_001370977.1); c.1413G>A, p.Arg471= (NM_001370979.1, NM_001370980.1); c.1179G>A, p.Arg393= (NM_001370981.1, NM_001370982.1).
Identifiers: ClinVar variation 1407246 (VCV001407246.6), dbSNP rs2048681536, ClinGen allele CA440837656.